The following is an entry in ClinVar:

ClinVar aggregate classification (germline): Conflicting classifications of pathogenicity. Review status: criteria provided, conflicting classifications (1 of 4 stars). 2 submissions from 2 submitters: Uncertain significance (1); Likely benign (1). Last evaluated 2024-12-09.

Conditions:
Lymphoproliferative syndrome 2 (LPFS2). Also called: CD27 DEFICIENCY; Combined immunodeficiency due to CD27 deficiency. Identifiers: Orphanet 238505, MedGen C3554540, MONDO:0014054, OMIM 615122.
Inborn genetic diseases. Identifiers: MedGen C0950123, MeSH D030342.

Allele frequency attached by ClinVar (database versions not stated): gnomAD 0.00003; gnomAD exomes 0.00004 and 0.00006; ExAC 0.00009.
gnomAD v4.1: 68 of 1,606,936 alleles (0.0042%); highest among the groups gnomAD compares: Middle Eastern, 0.017%; no homozygotes.

Submissions (2):

Labcorp Genetics (formerly Invitae), Labcorp
Classification: Uncertain significance for Lymphoproliferative syndrome 2. Last evaluated: 2024-12-09. Review status: criteria provided, single submitter. Criteria: Invitae Variant Classification Sherloc (09022015). Collection method: clinical testing. Allele origin: germline.
Comment: This sequence change replaces valine, which is neutral and non-polar, with isoleucine, which is neutral and non-polar, at codon 11 of the CD27 protein (p.Val11Ile). This variant is present in population databases (rs772449872, gnomAD 0.01%). This variant has not been reported in the literature in individuals affected with CD27-related conditions. ClinVar contains an entry for this variant (Variation ID: 1059188). An algorithm developed to predict the effect of missense changes on protein structure and function outputs the following: PolyPhen-2: "Benign". The isoleucine amino acid residue is found in multiple mammalian species, which suggests that this missense change does not adversely affect protein function. In summary, the available evidence is currently insufficient to determine the role of this variant in disease. Therefore, it has been classified as a Variant of Uncertain Significance.

Ambry Genetics
Classification: Likely benign for Inborn genetic diseases. Last evaluated: 2023-06-06. Review status: criteria provided, single submitter. Criteria: Ambry Variant Classification Scheme 2023. Collection method: clinical testing. Allele origin: germline.

NM_001242.5(CD27):c.31G>A (p.Val11Ile)

Genes: CD27 (CD27 molecule; plus strand), CD27-AS1 (CD27 antisense RNA 1; minus strand). Cytogenetic location: 12p13.31.
Variant type: single nucleotide variant.
Coding change: c.31G>A on transcript NM_001242.5 (MANE Select); coding-DNA position 31, G replaced by A.
Protein change: p.Val11Ile; replaces valine 11 with isoleucine.
Molecular consequence: missense variant.
Genome position (GRCh38, 1-based): chr12:6,445,126, G>A. VCF-style: chr12-6445126-G-A. GRCh37 (hg19) VCF-style: chr12-6554292-G-A.
Other names: c.31G>A (NM_001242.4); short protein forms V11I.
Identifiers: ClinVar variation 1059188 (VCV001059188.7), dbSNP rs772449872, ClinGen allele CA6406856.